The following is an entry in ClinVar:

NM_001083961.2(WDR62):c.4338C>T (p.Thr1446=)

Gene: WDR62 (WD repeat domain 62; plus strand). Cytogenetic location: 19q13.12.
Variant type: single nucleotide variant.
Coding change: c.4338C>T on transcript NM_001083961.2 (MANE Select); coding-DNA position 4338, C replaced by T.
Protein change: p.Thr1446=; no amino-acid change (threonine 1446 retained).
Molecular consequence: synonymous variant.
Genome position (GRCh38, 1-based): chr19:36,104,794, C>T. VCF-style: chr19-36104794-C-T. GRCh37 (hg19) VCF-style: chr19-36595696-C-T.
Other names: c.4323C>T, p.Thr1441= (NM_173636.5).
Identifiers: ClinVar variation 283789 (VCV000283789.48), dbSNP rs149289227, ClinGen allele CA9396550.
Genomic context (GRCh38, chr19:36,104,794, plus strand): 5'-TGGTGGCCCCTGACAAGGCTGGCATCCCTTGCAGTTGGTCTCCAGTGGCCAGGTGGACAC[C>T]GGGCAGCAGCAGGCACGGACTGAGCTGGTCTCCACCTTCCTGTGGATCCACAGCCAGCTG-3'
Protein context (NP_001077430.1, residues 1436-1456): RVLVSSGQVD[Thr1446=]GQQQARTELV

ClinVar aggregate classification (germline): Benign/Likely benign. Review status: criteria provided, multiple submitters, no conflicts (2 of 4 stars). 6 submissions from 6 submitters: Benign (3); Likely benign (3). Last evaluated 2026-01-05.

Conditions:
Microcephaly 2, primary, autosomal recessive, with or without cortical malformations. Also called: WDR62 Primary Microcephaly; MICROCEPHALY 2, PRIMARY, AUTOSOMAL RECESSIVE, WITH CORTICAL MALFORMATIONS. Identifiers: Orphanet 2512, MedGen C1858535, MONDO:0011435, OMIM 604317.

Allele frequency attached by ClinVar (database versions not stated): gnomAD exomes 0.00039; ExAC 0.00053; 1000 Genomes Project 0.00140; 1000 Genomes Project 30x 0.00156; ESP Exome Variant Server 0.00161; gnomAD 0.00169 and 0.00183; TOPMed 0.00181.
gnomAD v4.1: 463 of 1,613,632 alleles (0.029%); highest among the groups gnomAD compares: African/African-American, 0.56%; 2 homozygotes.

Submissions (6):

Labcorp Genetics (formerly Invitae), Labcorp
Classification: Benign. Last evaluated: 2026-01-05. Review status: criteria provided, single submitter. Criteria: Invitae Variant Classification Sherloc (09022015). Collection method: clinical testing. Allele origin: germline.

CeGaT Center for Human Genetics Tuebingen
Classification: Likely benign. Last evaluated: 2022-09-01. Review status: criteria provided, single submitter. Criteria: CeGaT Center For Human Genetics Tuebingen Variant Classification Criteria Version 2. Collection method: clinical testing. Allele origin: germline. Affected: yes. Observed: 1 variant allele.
Comment: WDR62: BP4, BP7

Genome-Nilou Lab
Classification: Benign for Microcephaly 2, primary, autosomal recessive, with or without cortical malformations. Last evaluated: 2021-12-05. Review status: criteria provided, single submitter. Criteria: ACMG Guidelines, 2015. Collection method: clinical testing. Allele origin: germline. Affected: no.

Illumina Laboratory Services, Illumina
Classification: Likely benign for Microcephaly 2, primary, autosomal recessive, with or without cortical malformations. Last evaluated: 2018-01-12. Review status: criteria provided, single submitter. Criteria: ICSL Variant Classification Criteria 13 December 2019. Collection method: clinical testing. Allele origin: germline.
Comment: This variant was observed in the ICSL laboratory as part of a predisposition screen in an ostensibly healthy population. It had not been previously curated by ICSL or reported in the Human Gene Mutation Database (HGMD: prior to June 1st, 2018), and was therefore a candidate for classification through an automated scoring system. Utilizing variant allele frequency, disease prevalence and penetrance estimates, and inheritance mode, an automated score was calculated to assess if this variant is too frequent to cause the disease. Based on the score and internal cut-off values, a variant classified as likely benign is not then subjected to further curation. The score for this variant resulted in a classification of likely benign for this disease.

Genetic Services Laboratory, University of Chicago
Classification: Likely benign. Last evaluated: 2015-12-11. Review status: criteria provided, single submitter. Criteria: ACMG Guidelines, 2015. Collection method: clinical testing. Allele origin: germline. Affected: no.

Eurofins Ntd Llc (ga)
Classification: Benign. Last evaluated: 2015-11-02. Review status: criteria provided, single submitter. Criteria: EGL Classification Definitions 2015. Collection method: clinical testing. Allele origin: germline. Observed: 1 variant allele, 1 heterozygote.